The following is an entry in ClinVar:

ClinVar aggregate classification (germline): Uncertain significance (1 of 4 stars; one submission).

Conditions:
PHF3-related disorder. Also called: PHF3-related condition.

Submission:

PreventionGenetics, part of Exact Sciences
Classification: Uncertain significance for PHF3-related condition. Last evaluated: 2025-02-26. Review status: criteria provided, single submitter. Criteria: ACMG Guidelines, 2015. Collection method: clinical testing. Allele origin: germline.
Comment: The PHF3 c.5525dupC variant is predicted to result in a frameshift and premature protein termination (p.Pro1843Serfs*46). This variant resides in the final exon of this gene, and it is unclear if the resulting mRNA would undergo nonsense-mediated decay. To our knowledge, this variant has not been reported in the literature or in a large population database (gnomAD), indicating this variant is rare. Although we suspect that this variant may be pathogenic, at this time, the clinical significance of this variant is uncertain due to the absence of conclusive functional and genetic evidence.

NM_001370348.2(PHF3):c.5525dup (p.Pro1843fs)

Gene: PHF3 (PHD finger protein 3; plus strand). Cytogenetic location: 6q12.
Variant type: Duplication.
Coding change: c.5525dup on transcript NM_001370348.2 (MANE Select); coding-DNA position 5525, one base duplicated (C; older notation c.5525dupC).
Protein change: p.Pro1843fs; shifts the reading frame from proline 1843.
Molecular consequence: frameshift variant.
Genome position (GRCh38, 1-based): chr6:63,713,113, C duplicated; the last of 5 consecutive C bases (chr6:63,713,109-63,713,113); duplicating any one gives the same sequence. VCF-style (leftmost placement, unchanged base first): chr6-63713108-T-TC. GRCh37 (hg19) VCF-style: chr6-64423004-T-TC.
Other names: c.5261dup, p.Pro1755fs (NM_001290259.2, NM_001370349.2); c.3332dup, p.Pro1112fs (NM_001370350.2); c.5525dup, p.Pro1843fs (NM_015153.4); short protein forms P1112fs, P1755fs, P1843fs.
Identifiers: ClinVar variation 5000048 (VCV005000048.1).
Genomic context (GRCh38, chr6:63,713,108, plus strand): 5'-TCCTAATTTTCCCCCACAAAGCATGTTTGGATTTCCACCACATTTGCCACCTCCATTACT[T>TC]CCCCCTCCAGGCTTTGGCTTTGCTCAAAATCCCATGGTTCCCTGGCCACCTGTTGTTCAT-3'